The following is an entry in ClinVar:

NM_001161352.2(KCNMA1):c.2484+1764G>A

Genes: KCNMA1 (potassium calcium-activated channel subfamily M alpha 1; minus strand), KCNMA1-AS1 (KCNMA1 antisense RNA 1; plus strand). Cytogenetic location: 10q22.3.
Variant type: single nucleotide variant.
Coding change: c.2484+1764G>A on transcript NM_001161352.2 (MANE Select); 1764 bases into the intron after coding-DNA position 2484, G replaced by A.
Molecular consequence: intron variant. On other transcripts: synonymous variant (1).
Genome position (GRCh38, 1-based): chr10:76,952,037, C>T on the plus strand (G>A on the coding strand, the complement: KCNMA1 is on the minus strand). VCF-style: chr10-76952037-C-T. GRCh37 (hg19) VCF-style: chr10-78711795-C-T.
Other names: c.2322+1764G>A (NM_001322835.2, NM_001322837.2, NM_001014797.3); c.2331+1764G>A (NM_001322830.2); c.1857+1764G>A (NM_001322838.2); c.2310+1764G>A (NM_002247.4, NM_001322832.2, NM_001410940.1); c.2319+1764G>A (NM_001322836.2, NM_001271519.2, NM_001322829.2); c.2433G>A, p.Glu811= (NM_001161353.2); c.2160+1764G>A (NM_001271518.2).
Identifiers: ClinVar variation 2640615 (VCV002640615.24), dbSNP rs376593684, ClinGen allele CA5568068.

ClinVar aggregate classification (germline): Likely benign (1 of 4 stars; one submission).

Allele frequency attached by ClinVar (database versions not stated): gnomAD 0.00007; gnomAD exomes 0.00010; TOPMed 0.00011; ExAC 0.00017; ESP Exome Variant Server 0.00022.
gnomAD v4.1: 158 of 1,551,882 alleles (0.01%); highest among the groups gnomAD compares: Admixed American, 0.02%; no homozygotes.

Submission:

CeGaT Center for Human Genetics Tuebingen
Classification: Likely benign. Last evaluated: 2026-04-01. Review status: criteria provided, single submitter. Criteria: CeGaT Center For Human Genetics Tuebingen Variant Classification Criteria Version 2. Collection method: clinical testing. Allele origin: germline. Affected: yes. Observed: 5 variant alleles.
Comment: KCNMA1: BP4, BP7